The following is an entry in ClinVar:

NM_000878.5(IL2RB):c.1249G>A (p.Ala417Thr)

Gene: IL2RB (interleukin 2 receptor subunit beta; minus strand). Cytogenetic location: 22q12.3.
Variant type: single nucleotide variant.
Coding change: c.1249G>A on transcript NM_000878.5 (MANE Select); coding-DNA position 1249, G replaced by A.
Protein change: p.Ala417Thr; replaces alanine 417 with threonine.
Molecular consequence: missense variant.
Genome position (GRCh38, 1-based): chr22:37,128,503, C>T on the plus strand (G>A on the coding strand, the complement: IL2RB is on the minus strand). VCF-style: chr22-37128503-C-T. GRCh37 (hg19) VCF-style: chr22-37524543-C-T.
Other names: c.1249G>A, p.Ala417Thr (NM_001346222.1, NM_001346223.2); c.1249G>A (NM_000878.2); short protein forms A417T.
Identifiers: ClinVar variation 1412505 (VCV001412505.6), dbSNP rs768345015, ClinGen allele CA10216388.
Genomic context (GRCh38, chr22:37,128,503, plus strand): 5'-CACCGAGGAGACTGGGGGAGAAGAGCAGCAGGTCATCCCTGGAGGGGAAGGTGCAGTAGG[C>T]GTCGTCCTCCCCTGACAGAGGCTGCAGGGGTTGGGGGGAAGACCCTGTGGGTGCCCCGGC-3'
Protein context (NP_000869.1, residues 407-427): PLQPLSGEDD[Ala417Thr]YCTFPSRDDL

ClinVar aggregate classification (germline): Uncertain significance. Review status: criteria provided, multiple submitters, no conflicts (2 of 4 stars). 2 submissions from 2 submitters: Uncertain significance (2). Last evaluated 2025-01-15.

Allele frequency attached by ClinVar (database versions not stated): ExAC 0.00002; gnomAD exomes 0.00002 and 0.00003; gnomAD 0.00003 and 0.00004; TOPMed 0.00005.
gnomAD v4.1: 44 of 1,609,024 alleles (0.0027%); highest among the groups gnomAD compares: Non-Finnish European, 0.0035%; no homozygotes.

Submissions (2):

Ambry Genetics
Classification: Uncertain significance. Last evaluated: 2025-01-15. Review status: criteria provided, single submitter. Criteria: Ambry Variant Classification Scheme 2023. Collection method: clinical testing. Allele origin: germline.

Labcorp Genetics (formerly Invitae), Labcorp
Classification: Uncertain significance. Last evaluated: 2023-11-18. Review status: criteria provided, single submitter. Criteria: Invitae Variant Classification Sherloc (09022015). Collection method: clinical testing. Allele origin: germline.
Comment: This sequence change replaces alanine, which is neutral and non-polar, with threonine, which is neutral and polar, at codon 417 of the IL2RB protein (p.Ala417Thr). This variant is present in population databases (rs768345015, gnomAD 0.005%). This variant has not been reported in the literature in individuals affected with IL2RB-related conditions. ClinVar contains an entry for this variant (Variation ID: 1412505). An algorithm developed to predict the effect of missense changes on protein structure and function (PolyPhen-2) suggests that this variant¬†is likely to be tolerated. In summary, the available evidence is currently insufficient to determine the role of this variant in disease. Therefore, it has been classified as a Variant of Uncertain Significance.